The following is an entry in ClinVar:

ClinVar aggregate classification (germline): Uncertain significance (1 of 4 stars; one submission).

Conditions:
Autosomal dominant nonsyndromic hearing loss 70. Also called: Deafness, autosomal dominant 70. Identifiers: Orphanet 90635, MedGen C4310775, MONDO:0014853, OMIM 616968.

Allele frequency attached by ClinVar (database versions not stated): gnomAD 0.00001; gnomAD exomes 0.00001 and 0.00002; ExAC 0.00002; TOPMed 0.00002; ESP Exome Variant Server 0.00008.
gnomAD v4.1: 37 of 1,614,064 alleles (0.0023%); highest among the groups gnomAD compares: Non-Finnish European, 0.0031%; no homozygotes.

Submission:

Baylor Genetics
Classification: Uncertain significance for Autosomal dominant nonsyndromic hearing loss 70. Last evaluated: 2018-03-01. Review status: criteria provided, single submitter. Criteria: ACMG Guidelines, 2015. Collection method: clinical testing. Allele origin: maternal. Affected: yes.
Comment: This variant was determined to be of uncertain significance according to ACMG Guidelines, 2015 [PMID:25741868].

NM_004526.4(MCM2):c.1231G>A (p.Glu411Lys)

Gene: MCM2 (minichromosome maintenance complex component 2; plus strand). Cytogenetic location: 3q21.3.
Variant type: single nucleotide variant.
Coding change: c.1231G>A on transcript NM_004526.4 (MANE Select); coding-DNA position 1231, G replaced by A.
Protein change: p.Glu411Lys; replaces glutamic acid 411 with lysine.
Molecular consequence: missense variant. On other transcripts: non-coding transcript variant (1).
Genome position (GRCh38, 1-based): chr3:127,608,511, G>A. VCF-style: chr3-127608511-G-A. GRCh37 (hg19) VCF-style: chr3-127327354-G-A.
Other names: short protein forms E411K.
Identifiers: ClinVar variation 1032222 (VCV001032222.1), dbSNP rs373695678, ClinGen allele CA2595825.
Genomic context (GRCh38, chr3:127,608,511, plus strand): 5'-CCCCGCTCCAAGGACGCCATTCTCCTCGCAGATCTGGTGGACAGCTGCAAGCCAGGAGAC[G>A]AGATAGTAAGTGGCCGGGGCAGGCTGGGAGGGAGCCAAGTTGCAGAGGGAACTGGCAGAA-3'
Protein context (NP_004517.2, residues 401-421): DLVDSCKPGD[Glu411Lys]IELTGIYHNN